The following is an entry in ClinVar:

ClinVar aggregate classification (germline): Uncertain significance (1 of 4 stars; one submission).

Conditions:
Cystic fibrosis (CF). Also called: MUCOVISCIDOSIS. Identifiers: Orphanet 586, MedGen C0010674, MONDO:0009061, OMIM 219700. Disease mechanism: loss of function.

Submission:

Johns Hopkins Genomics, Johns Hopkins University
Classification: Uncertain significance for Cystic fibrosis. Last evaluated: 2021-05-07. Review status: criteria provided, single submitter. Criteria: ACMG Guidelines, 2015. Collection method: clinical testing. Allele origin: germline.
Comment: This deep intronic CFTR variant is absent from a large population dataset and has not been reported in ClinVar nor the literature, to our knowledge. Three bioinformatics tools predict that this variant will not affect normal CFTR splicing, although this has not been assessed experimentally to our knowledge. We consider the clinical significance of c.3718-3598C>T to be uncertain at this time.

NM_000492.4(CFTR):c.3718-3598C>T

Genes: CFTR-AS2 (CFTR antisense RNA 2; minus strand), CFTR (CF transmembrane conductance regulator; plus strand). Cytogenetic location: 7q31.2.
Variant type: single nucleotide variant.
Coding change: c.3718-3598C>T on transcript NM_000492.4 (MANE Select); 3598 bases into the intron before coding-DNA position 3718, C replaced by T.
Molecular consequence: intron variant.
Genome position (GRCh38, 1-based): chr7:117,638,840, C>T. VCF-style: chr7-117638840-C-T. GRCh37 (hg19) VCF-style: chr7-117278894-C-T.
Identifiers: ClinVar variation 1162235 (VCV001162235.1), dbSNP rs2116156664, ClinGen allele CA2499218696.